The following is an entry in ClinVar:

ClinVar aggregate classification (germline): Pathogenic (1 of 4 stars; one submission).

Conditions:
Autosomal recessive limb-girdle muscular dystrophy type 2C (LGMDR5). Also called: MUSCULAR DYSTROPHY, DUCHENNE-LIKE; MUSCULAR DYSTROPHY, LIMB-GIRDLE, AUTOSOMAL RECESSIVE 5. Identifiers: Orphanet 353, MedGen C0410173, MONDO:0009677, OMIM 253700. Disease mechanism: Affects gamma-sarcoglycan and also disrupts the integrity of the entire sarcoglycan complex..

Submission:

Labcorp Genetics (formerly Invitae), Labcorp
Classification: Pathogenic for Autosomal recessive limb-girdle muscular dystrophy type 2C. Last evaluated: 2023-09-26. Review status: criteria provided, single submitter. Criteria: Invitae Variant Classification Sherloc (09022015). Collection method: clinical testing. Allele origin: germline.
Comment: For these reasons, this variant has been classified as Pathogenic. This variant disrupts a region of the SGCG protein in which other variant(s) (p.Cys283Tyr) have been determined to be pathogenic (PMID: 8968757, 9781048, 10447257, 15322984, 22095924). This suggests that this is a clinically significant region of the protein, and that variants that disrupt it are likely to be disease-causing. This variant has not been reported in the literature in individuals affected with SGCG-related conditions. This variant is not present in population databases (gnomAD no frequency). This sequence change creates a premature translational stop signal (p.Lys246Serfs*34) in the SGCG gene. While this is not anticipated to result in nonsense mediated decay, it is expected to disrupt the last 46 amino acid(s) of the SGCG protein.

Literature cited by the submitters: PubMed 8968757; PubMed 9781048; PubMed 10447257; PubMed 15322984; PubMed 22095924.

NM_000231.3(SGCG):c.735del (p.Lys246fs)

Gene: SGCG (sarcoglycan gamma; plus strand). Cytogenetic location: 13q12.12.
Variant type: Deletion.
Coding change: c.735del on transcript NM_000231.3 (MANE Select); coding-DNA position 735, one base deleted (C; older notation c.735delC).
Protein change: p.Lys246fs; shifts the reading frame from lysine 246.
Molecular consequence: frameshift variant.
Genome position (GRCh38, 1-based): chr13:23,324,400, C deleted; the last of 3 consecutive C bases (chr13:23,324,398-23,324,400); deleting any one gives the same sequence. VCF-style (leftmost placement, unchanged base first): chr13-23324397-AC-A. GRCh37 (hg19) VCF-style: chr13-23898536-AC-A.
Other names: c.789del, p.Lys264fs (NM_001378244.1); c.735del, p.Lys246fs (NM_001378245.1, NM_001378246.1); short protein forms K264fs, K246fs.
Identifiers: ClinVar variation 2763459 (VCV002763459.3), dbSNP rs797044783, ClinGen allele CA645591573.
Genomic context (GRCh38, chr13:23,324,397, plus strand): 5'-AACTCTTCGTCTCTCATCTTCTCCCAACCAGCTTGTGCTTGATGCTGAAACTGTGTGCTT[AC>A]CCAAGCTGGTGCAGGGGACGTGGGGTCCCTCTGGCAGCTCACAGAGCCTCTACGAAATCT-3'